The following is an entry in ClinVar:

NM_022436.3(ABCG5):c.527G>A (p.Ser176Asn)

Genes: ABCG5 (ATP binding cassette subfamily G member 5; minus strand), DYNC2LI1 (dynein cytoplasmic 2 light intermediate chain 1; plus strand). Cytogenetic location: 2p21.
Variant type: single nucleotide variant.
Coding change: c.527G>A on transcript NM_022436.3 (MANE Select); coding-DNA position 527, G replaced by A.
Protein change: p.Ser176Asn; replaces serine 176 with asparagine.
Molecular consequence: missense variant. On other transcripts: 3 prime UTR variant (2).
Genome position (GRCh38, 1-based): chr2:43,828,090, C>T on the plus strand (G>A on the coding strand, the complement: ABCG5 is on the minus strand). VCF-style: chr2-43828090-C-T. GRCh37 (hg19) VCF-style: chr2-44055229-C-T.
Other names: c.*720C>T (NM_001348912.2, NM_001348913.2); short protein forms S176N.
Identifiers: ClinVar variation 1746550 (VCV001746550.3), dbSNP rs1044946422, ClinGen allele CA46466489.

ClinVar aggregate classification (germline): Uncertain significance (1 of 4 stars; one submission).

Conditions:
Cardiovascular phenotype. Identifiers: MedGen CN230736.

Allele frequency attached by ClinVar (database versions not stated): TOPMed 0.00001; gnomAD 0.00001.
gnomAD v4.1: 8 of 1,613,968 alleles (0.0005%); highest among the groups gnomAD compares: Non-Finnish European, 0.00068%; no homozygotes.

Submission:

Ambry Genetics
Classification: Uncertain significance for Cardiovascular phenotype. Last evaluated: 2024-09-17. Review status: criteria provided, single submitter. Criteria: Ambry Variant Classification Scheme 2023. Collection method: clinical testing. Allele origin: germline.
Comment: The p.S176N variant (also known as c.527G>A), located in coding exon 5 of the ABCG5 gene, results from a G to A substitution at nucleotide position 527. The serine at codon 176 is replaced by asparagine, an amino acid with highly similar properties. This amino acid position is conserved. In addition, this alteration is predicted to be tolerated by in silico analysis. Since supporting evidence is limited at this time, the clinical significance of this alteration remains unclear.